The following is an entry in ClinVar:

ClinVar aggregate classification (germline): Pathogenic/Likely pathogenic. Review status: criteria provided, multiple submitters, no conflicts (2 of 4 stars). 4 submissions from 4 submitters: Pathogenic (2); Likely pathogenic (1). 1 of the submissions does not count toward it. Last evaluated 2024-05-13.

Conditions:
FKRP-related disorder. Also called: FKRP-related condition.
Walker-Warburg congenital muscular dystrophy. Also called: Muscular dystrophy-dystroglycanopathy, type A; Walker-Warburg syndrome. Identifiers: Orphanet 899, MedGen C0265221, MONDO:0000171.
Autosomal recessive limb-girdle muscular dystrophy type 2I. Also called: MUSCULAR DYSTROPHY-DYSTROGLYCANOPATHY, LIMB-GIRDLE, FRKP-RELATED; MUSCULAR DYSTROPHY, LIMB-GIRDLE, TYPE 2I; MUSCULAR DYSTROPHY-DYSTROGLYCANOPATHY (LIMB-GIRDLE), TYPE C, 5. Identifiers: Orphanet 34515, MedGen C1846672, MONDO:0011787, OMIM 607155.

Submissions (4):

Blueprint Genetics
Classification: Likely pathogenic for FKRP-related disorders. Last evaluated: 2024-05-13. Review status: criteria provided, single submitter. Criteria: ACMG Guidelines, 2015. Collection method: clinical testing. Allele origin: germline. Affected: yes. Observed: 2 variant alleles.

Labcorp Genetics (formerly Invitae), Labcorp
Classification: Pathogenic for Walker-Warburg congenital muscular dystrophy. Last evaluated: 2023-02-11. Review status: criteria provided, single submitter. Criteria: Invitae Variant Classification Sherloc (09022015). Collection method: clinical testing. Allele origin: germline.
Comment: This sequence change creates a premature translational stop signal (p.Thr226Profs*13) in the FKRP gene. While this is not anticipated to result in nonsense mediated decay, it is expected to disrupt the last 270 amino acid(s) of the FKRP protein. This variant is not present in population databases (gnomAD no frequency). This variant has not been reported in the literature in individuals affected with FKRP-related conditions. ClinVar contains an entry for this variant (Variation ID: 287717). This variant disrupts a region of the FKRP protein in which other variant(s) (p.Ser385*) have been determined to be pathogenic (PMID: 11592034, 12666124, 12707425, 14742276). This suggests that this is a clinically significant region of the protein, and that variants that disrupt it are likely to be disease-causing. For these reasons, this variant has been classified as Pathogenic.

Eurofins Ntd Llc (ga)
Classification: Pathogenic. Last evaluated: 2016-04-20. Review status: criteria provided, single submitter. Criteria: EGL Classification Definitions 2015. Collection method: clinical testing. Allele origin: germline. Observed: 1 variant allele, 1 heterozygote.

Counsyl
Classification: Likely pathogenic for Autosomal recessive limb-girdle muscular dystrophy type 2I. Last evaluated: 2018-03-09. Review status: no assertion criteria provided. Collection method: clinical testing. Allele origin: unknown. Not counted in ClinVar's aggregate classification.

Literature cited by the submitters: PubMed 11592034 (cited by Labcorp Genetics (formerly Invitae), Labcorp); PubMed 12666124 (cited by Labcorp Genetics (formerly Invitae), Labcorp); PubMed 12707425 (cited by Labcorp Genetics (formerly Invitae), Labcorp); PubMed 14742276 (cited by Labcorp Genetics (formerly Invitae), Labcorp).

NM_024301.5(FKRP):c.675del (p.Thr226fs)

Gene: FKRP (fukutin related protein; plus strand). Cytogenetic location: 19q13.32.
Variant type: Deletion.
Coding change: c.675del on transcript NM_024301.5 (MANE Select); coding-DNA position 675, one base deleted (G; older notation c.675delG).
Protein change: p.Thr226fs; shifts the reading frame from threonine 226.
Molecular consequence: frameshift variant.
Genome position (GRCh38, 1-based): chr19:46,756,125, G deleted. VCF-style (leftmost placement, unchanged base first): chr19-46756124-AG-A. GRCh37 (hg19) VCF-style: chr19-47259381-AG-A.
Other names: c.675del (NM_024301.4); c.675del, p.Thr226fs (NM_001039885.3); short protein forms T226fs.
Identifiers: ClinVar variation 287717 (VCV000287717.17), dbSNP rs886043706, ClinGen allele CA10605846.
Genomic context (GRCh38, chr19:46,756,124, plus strand): 5'-GCGACCTCTTCAACCTCTCGGCGCCCCTGGCCCGGCCGGTGGGCACCAGCCTCTTTCTGC[AG>A]ACCGCCCTTCGCGGCTGGGCGGTGCAGCTGCTGGACTTGACCTTCGCCGCGGCGCGCCAG-3'